The following is an entry in ClinVar:

ClinVar aggregate classification (germline): Uncertain significance (1 of 4 stars; one submission).

Conditions:
Dilated cardiomyopathy 1O (CMD1O). Also called: CARDIOMYOPATHY, DILATED, WITH VENTRICULAR TACHYCARDIA. Identifiers: Orphanet 154, MedGen C1837839, MONDO:0012062, OMIM 608569.

Submission:

Labcorp Genetics (formerly Invitae), Labcorp
Classification: Uncertain significance for Dilated cardiomyopathy 1O. Last evaluated: 2024-09-19. Review status: criteria provided, single submitter. Criteria: Invitae Variant Classification Sherloc (09022015). Collection method: clinical testing. Allele origin: germline.
Comment: This sequence change replaces proline, which is neutral and non-polar, with threonine, which is neutral and polar, at codon 1080 of the ABCC9 protein (p.Pro1080Thr). This variant is not present in population databases (gnomAD no frequency). This variant has not been reported in the literature in individuals affected with ABCC9-related conditions. Invitae Evidence Modeling of protein sequence and biophysical properties (such as structural, functional, and spatial information, amino acid conservation, physicochemical variation, residue mobility, and thermodynamic stability) indicates that this missense variant is expected to disrupt ABCC9 protein function with a positive predictive value of 95%. In summary, the available evidence is currently insufficient to determine the role of this variant in disease. Therefore, it has been classified as a Variant of Uncertain Significance.

NM_020297.4(ABCC9):c.3238C>A (p.Pro1080Thr)

Gene: ABCC9 (ATP binding cassette subfamily C member 9; minus strand). Cytogenetic location: 12p12.1.
Variant type: single nucleotide variant.
Coding change: c.3238C>A on transcript NM_020297.4 (MANE Select); coding-DNA position 3238, C replaced by A.
Protein change: p.Pro1080Thr; replaces proline 1080 with threonine.
Molecular consequence: missense variant.
Genome position (GRCh38, 1-based): chr12:21,844,774, G>T on the plus strand (C>A on the coding strand, the complement: ABCC9 is on the minus strand). VCF-style: chr12-21844774-G-T. GRCh37 (hg19) VCF-style: chr12-21997708-G-T.
Other names: c.3238C>A, p.Pro1080Thr (NM_001377273.1, NM_005691.4); c.2371C>A, p.Pro791Thr (NM_001377274.1); short protein forms P1080T, P791T.
Identifiers: ClinVar variation 3688029 (VCV003688029.2).
Genomic context (GRCh38, chr12:21,844,774, plus strand): 5'-ATGCATATTTTTATTATTTTATGTGTGGGAGTGAGAAATAACCACTGTTTTACCTTATTG[G>T]TCCAAGGATTATCTTATTGAGAAGGTTGTGGTGAAGATTTTTGGCAGCTGTGAGACCCAT-3'
Protein context (NP_064693.2, residues 1070-1090): HNLLNKIILG[Pro1080Thr]IRFFDTTPLG